The following is an entry in ClinVar:

ClinVar aggregate classification (germline): Uncertain significance (1 of 4 stars; one submission).

gnomAD v4.1: 2 of 1,613,934 alleles (0.00012%); highest among the groups gnomAD compares: Admixed American, 0.0033%; no homozygotes.

Submission:

Dasa
Classification: Uncertain significance. Last evaluated: 2025-10-05. Review status: criteria provided, single submitter. Criteria: DASA Assertion Criteria. Collection method: clinical testing. Allele origin: germline.
Comment: NM_017852.5(NLRP2):c.3050+10A>G is a splice-region variant. This variant is rare in population databases. Computational prediction algorithms are consistent with a benign effect. The currently available literature and clinical evidence are not sufficient to establish a definitive association between this variant and the reported condition. Therefore, this variant is classified as a variant of uncertain significance.

NM_017852.5(NLRP2):c.3050+10A>G

Gene: NLRP2 (NLR family pyrin domain containing 2; plus strand). Cytogenetic location: 19q13.42.
Variant type: single nucleotide variant.
Coding change: c.3050+10A>G on transcript NM_017852.5 (MANE Select); 10 bases into the intron after coding-DNA position 3050, A replaced by G.
Molecular consequence: intron variant.
Genome position (GRCh38, 1-based): chr19:54,997,497, A>G. VCF-style: chr19-54997497-A-G. GRCh37 (hg19) VCF-style: chr19-55508865-A-G.
Other names: c.3050+10A>G (NM_001174081.3); c.3041+10A>G (NM_001348003.2); c.2984+10A>G (NM_001174082.3); c.2981+10A>G (NM_001174083.2).
Identifiers: ClinVar variation 4886122 (VCV004886122.2).